The following is an entry in ClinVar:

ClinVar aggregate classification (germline): not provided (0 of 4 stars; one submission).

Allele frequency attached by ClinVar (database versions not stated): TOPMed below 0.00001.

Submission:

Human Evolutionary Genetics, Institut Pasteur
No classification provided. Review status: no classification provided. Collection method: not provided. Allele origin: germline.
ClinVar note: Converted during submission from untested to not provided.

NM_001433705.1(NLRP5):c.2805-65G>A

Gene: NLRP5 (NLR family pyrin domain containing 5; plus strand). Cytogenetic location: 19q13.43.
Variant type: single nucleotide variant.
Coding change: c.2805-65G>A on transcript NM_001433705.1 (MANE Select); 65 bases into the intron before coding-DNA position 2805, G replaced by A.
Molecular consequence: intron variant.
Genome position (GRCh38, 1-based): chr19:56,050,353, G>A. VCF-style: chr19-56050353-G-A. GRCh37 (hg19) VCF-style: chr19-56561719-G-A.
Other names: NM_153447.4:c.2958-65G>A.
Identifiers: ClinVar variation 103289 (VCV000103289.2), dbSNP rs199475783, ClinGen allele CA230373.